The following is an entry in ClinVar:

ClinVar aggregate classification (germline): Pathogenic (1 of 4 stars; one submission).

Conditions:
Hereditary cancer-predisposing syndrome. Also called: Neoplastic Syndromes, Hereditary; Tumor predisposition; Hereditary neoplastic syndrome; Hereditary Cancer Syndrome. Identifiers: Orphanet 140162, MedGen C0027672, MeSH D009386, MONDO:0015356.

Submission:

Ambry Genetics
Classification: Pathogenic for Hereditary cancer-predisposing syndrome. Last evaluated: 2024-01-12. Review status: criteria provided, single submitter. Criteria: Ambry Variant Classification Scheme 2023. Collection method: clinical testing. Allele origin: germline.
Comment: The p.L832* pathogenic mutation (also known as c.2495T>G), located in coding exon 24 of the RB1 gene, results from a T to G substitution at nucleotide position 2495. This changes the amino acid from a leucine to a stop codon within coding exon 24. This alteration is expected to result in loss of function by premature protein truncation or nonsense-mediated mRNA decay. As such, this alteration is interpreted as a disease-causing mutation.

NM_000321.3(RB1):c.2495T>G (p.Leu832Ter)

Gene: RB1 (RB transcriptional corepressor 1; plus strand). Cytogenetic location: 13q14.2.
Variant type: single nucleotide variant.
Coding change: c.2495T>G on transcript NM_000321.3 (MANE Select); coding-DNA position 2495, T replaced by G.
Protein change: p.Leu832Ter; replaces leucine 832 with a stop codon.
Molecular consequence: nonsense.
Genome position (GRCh38, 1-based): chr13:48,473,365, T>G. VCF-style: chr13-48473365-T-G. GRCh37 (hg19) VCF-style: chr13-49047501-T-G.
Other names: c.2495T>G, p.Leu832Ter (NM_001407165.1); short protein forms L832*.
Identifiers: ClinVar variation 3231225 (VCV003231225.1), dbSNP rs2542381555, ClinGen allele CA388168113.